The following is an entry in ClinVar:

NM_014727.3(KMT2B):c.1108GAA[5] (p.Glu373_Lys374insGlu)

Gene: KMT2B (lysine methyltransferase 2B; plus strand). Cytogenetic location: 19q13.12.
Variant type: Microsatellite.
Coding change: c.1108GAA[5] on transcript NM_014727.3 (MANE Select); five copies in a row of the 3-base unit GAA starting at c.1108; the reference has four copies in a row; one copy, 3 bases duplicated.
Protein change: p.Glu373_Lys374insGlu.
Molecular consequence: inframe insertion.
Genome position (GRCh38, 1-based): chr19:35,720,464-35,720,466, GAA duplicated; duplicating any 3 consecutive bases within chr19:35,720,453-35,720,466 gives the same sequence; the position shown is the placement nearest the transcript's 3' end. VCF-style (leftmost placement, unchanged base first): chr19-35720452-A-AAAG. GRCh37 (hg19) VCF-style: chr19-36211354-A-AAAG.
Identifiers: ClinVar variation 2869419 (VCV002869419.24), dbSNP rs201152143, ClinGen allele CA633059242.

ClinVar aggregate classification (germline): Uncertain significance. Review status: criteria provided, multiple submitters, no conflicts (2 of 4 stars). 2 submissions from 2 submitters: Uncertain significance (2). Last evaluated 2024-03-01.

Submissions (2):

CeGaT Center for Human Genetics Tuebingen
Classification: Uncertain significance. Last evaluated: 2024-03-01. Review status: criteria provided, single submitter. Criteria: CeGaT Center For Human Genetics Tuebingen Variant Classification Criteria Version 2. Collection method: clinical testing. Allele origin: germline. Affected: yes. Observed: 1 variant allele.
Comment: KMT2B: PM2, BP3

Labcorp Genetics (formerly Invitae), Labcorp
Classification: Uncertain significance. Last evaluated: 2023-10-13. Review status: criteria provided, single submitter. Criteria: Invitae Variant Classification Sherloc (09022015). Collection method: clinical testing. Allele origin: germline.
Comment: This variant, c.1117_1119dup, results in the insertion of 1 amino acid(s) of the KMT2B protein (p.Glu373dup), but otherwise preserves the integrity of the reading frame. The frequency data for this variant in the population databases is considered unreliable, as metrics indicate poor data quality at this position in the gnomAD database. This variant has not been reported in the literature in individuals affected with KMT2B-related conditions. In summary, the available evidence is currently insufficient to determine the role of this variant in disease. Therefore, it has been classified as a Variant of Uncertain Significance.